The following is an entry in ClinVar:

ClinVar aggregate classification (germline): Likely pathogenic (1 of 4 stars; one submission).

Conditions:
Charlevoix-Saguenay spastic ataxia (SACS). Also called: AUTOSOMAL RECESSIVE SPASTIC ATAXIA OF CHARLEVOIX-SAGUENAY; Spastic ataxia of Charlevoix-Saguenay; SPASTIC ATAXIA 6, AUTOSOMAL RECESSIVE. Identifiers: Orphanet 98, MedGen C1849140, MONDO:0010041, OMIM 270550.

Submission:

PROSPAX: an integrated multimodal progression  chart in spastic ataxias, Center for Neurology; Hertie-Institute for Clinical Brain Research
Classification: Likely pathogenic for Charlevoix-Saguenay spastic ataxia. Last evaluated: 2022-01-01. Review status: criteria provided, single submitter. Criteria: ACMG Guidelines, 2015. Collection method: research. Allele origin: germline. Affected: yes.
Comment: Variant seen in compound het: [c.8843del;c.171+1G>A]

NM_014363.6(SACS):c.8843del (p.Pro2948fs)

Gene: SACS (sacsin molecular chaperone; minus strand). Cytogenetic location: 13q12.12.
Variant type: Deletion.
Coding change: c.8843del on transcript NM_014363.6 (MANE Select); coding-DNA position 8843, one base deleted (C; older notation c.8843delC).
Protein change: p.Pro2948fs; shifts the reading frame from proline 2948.
Molecular consequence: frameshift variant.
Genome position (GRCh38, 1-based): chr13:23,335,033, G deleted on the plus strand (C on the coding strand, the reverse complement: SACS is on the minus strand); the first of 4 consecutive G bases (chr13:23,335,033-23,335,036); deleting any one gives the same sequence. VCF-style (leftmost placement, unchanged base first): chr13-23335032-AG-A. GRCh37 (hg19) VCF-style: chr13-23909171-AG-A.
Other names: c.8402del, p.Pro2801fs (NM_001278055.2); short protein forms P2801fs, P2948fs.
Identifiers: ClinVar variation 3242496 (VCV003242496.1).
Genomic context (GRCh38, chr13:23,335,032, plus strand): 5'-AAGACGGTTAACTGGGAAAAACGATAAAAACTTCTTTAAAGTGTCCTTTACAACATGAAT[AG>A]GGGTGTTCTGTAACACTGATAATGTTGGATCAGAACCAGGGAAATACCGTTTTTTTAACT-3'